The following is an entry in ClinVar:

ClinVar aggregate classification (germline): Uncertain significance (1 of 4 stars; one submission).

Submission:

Labcorp Genetics (formerly Invitae), Labcorp
Classification: Uncertain significance. Last evaluated: 2023-02-18. Review status: criteria provided, single submitter. Criteria: Invitae Variant Classification Sherloc (09022015). Collection method: clinical testing. Allele origin: germline.
Comment: This variant is not present in population databases (gnomAD no frequency). In summary, the available evidence is currently insufficient to determine the role of this variant in disease. Therefore, it has been classified as a Variant of Uncertain Significance. Variants that disrupt the consensus splice site are a relatively common cause of aberrant splicing (PMID: 17576681, 9536098). Algorithms developed to predict the effect of sequence changes on RNA splicing suggest that this variant may disrupt the consensus splice site. This variant has been observed in individual(s) with congenital ichthyosiform erythroderma (Invitae). This sequence change falls in intron 4 of the ALOX12B gene. It does not directly change the encoded amino acid sequence of the ALOX12B protein. It affects a nucleotide within the consensus splice site.

Literature cited by the submitters: PubMed 17576681; PubMed 9536098.

NM_001139.3(ALOX12B):c.527+3A>C

Gene: ALOX12B (arachidonate 12-lipoxygenase, 12R type; minus strand). Cytogenetic location: 17p13.1.
Variant type: single nucleotide variant.
Coding change: c.527+3A>C on transcript NM_001139.3 (MANE Select); 3 bases into the intron after coding-DNA position 527, A replaced by C.
Molecular consequence: intron variant.
Genome position (GRCh38, 1-based): chr17:8,080,881, T>G on the plus strand (A>C on the coding strand, the complement: ALOX12B is on the minus strand). VCF-style: chr17-8080881-T-G. GRCh37 (hg19) VCF-style: chr17-7984199-T-G.
Identifiers: ClinVar variation 2838899 (VCV002838899.3), dbSNP rs2507700766, ClinGen allele CA2739267121.